The following is an entry in ClinVar:

NM_020778.5(ALPK3):c.158G>A (p.Arg53Gln)

Gene: ALPK3 (alpha kinase 3; plus strand). Cytogenetic location: 15q25.3.
Variant type: single nucleotide variant.
Coding change: c.158G>A on transcript NM_020778.5 (MANE Select); coding-DNA position 158, G replaced by A.
Protein change: p.Arg53Gln; replaces arginine 53 with glutamine.
Molecular consequence: missense variant.
Genome position (GRCh38, 1-based): chr15:84,823,344, G>A. VCF-style: chr15-84823344-G-A. GRCh37 (hg19) VCF-style: chr15-85366575-G-A.
Other names: p.Arg255Gln; short protein forms R255Q, R53Q.
Identifiers: ClinVar variation 421545 (VCV000421545.31), dbSNP rs145993158, ClinGen allele CA7708859.

ClinVar aggregate classification (germline): Benign/Likely benign. Review status: criteria provided, multiple submitters, no conflicts (2 of 4 stars). 13 submissions from 13 submitters: Benign (5); Likely benign (4). 4 of the submissions do not count toward it. Last evaluated 2026-07-01.

Conditions:
Cardiovascular phenotype. Identifiers: MedGen CN230736.
ALPK3-related disorder. Also called: ALPK3-related condition.

Allele frequency attached by ClinVar (database versions not stated): 1000 Genomes Project 30x 0.00031; 1000 Genomes Project 0.00040; TOPMed 0.00200; ESP Exome Variant Server 0.00246; gnomAD 0.00335 and 0.00351; gnomAD exomes 0.00382 and 0.00418; ExAC 0.00415.
gnomAD v4.1: 6,049 of 1,614,104 alleles (0.37%); highest among the groups gnomAD compares: Non-Finnish European, 0.39%; 18 homozygotes.

Submissions (13):

CeGaT Center for Human Genetics Tuebingen
Classification: Likely benign. Last evaluated: 2026-07-01. Review status: criteria provided, single submitter. Criteria: CeGaT Center For Human Genetics Tuebingen Variant Classification Criteria Version 2. Collection method: clinical testing. Allele origin: germline. Affected: yes. Observed: 2 variant alleles.
Comment: ALPK3: BP4

Labcorp Genetics (formerly Invitae), Labcorp
Classification: Benign. Last evaluated: 2026-02-04. Review status: criteria provided, single submitter. Criteria: Invitae Variant Classification Sherloc (09022015). Collection method: clinical testing. Allele origin: germline.

Women's Health and Genetics/Laboratory Corporation of America, LabCorp
Classification: Likely benign. Last evaluated: 2025-06-27. Review status: criteria provided, single submitter. Criteria: LabCorp Variant Classification Summary - May 2015. Collection method: clinical testing. Allele origin: germline.
Comment: Variant summary: ALPK3 c.158G>A (p.Arg53Gln) results in a conservative amino acid change in the encoded protein sequence. Algorithms developed to predict the effect of missense changes on protein structure and function all suggest that this variant is likely to be tolerated. The variant allele was found at a frequency of 0.0042 in 251456 control chromosomes, predominantly at a frequency of 0.019 within the Finnish subpopulation in the gnomAD database, including 2 homozygotes. The observed variant frequency within Finnish control individuals in the gnomAD database is approximately 2.69 fold of the estimated maximal expected allele frequency for a pathogenic variant in ALPK3 causing Cardiomyopathy phenotype (0.0071). To our knowledge, no occurrence of c.158G>A in individuals affected with Cardiomyopathy and no experimental evidence demonstrating its impact on protein function have been reported. ClinVar contains an entry for this variant (Variation ID: 421545). Based on the evidence outlined above, the variant was classified as likely benign.

Molecular Diagnostic Laboratory for Inherited Cardiovascular Disease, Montreal Heart Institute
Classification: Likely benign. Last evaluated: 2025-04-09. Review status: criteria provided, single submitter. Criteria: ACMG Guidelines, 2015. Collection method: clinical testing. Allele origin: germline. Affected: no.

Blueprint Genetics
Classification: Likely benign. Last evaluated: 2024-11-27. Review status: criteria provided, single submitter. Criteria: ACMG Guidelines, 2015. Collection method: clinical testing. Allele origin: germline.

Mayo Clinic Laboratories, Mayo Clinic
Classification: Benign. Last evaluated: 2024-07-02. Review status: criteria provided, single submitter. Criteria: ACMG Guidelines, 2015. Collection method: clinical testing. Allele origin: germline. Observed: 5 variant alleles.
Comment: BS1, BS2, BP4

GeneDx
Classification: Benign. Last evaluated: 2020-11-17. Review status: criteria provided, single submitter. Criteria: GeneDx Variant Classification Process June 2021. Collection method: clinical testing. Allele origin: germline. Affected: yes.

Ambry Genetics
Classification: Benign for Cardiovascular phenotype. Last evaluated: 2018-12-29. Review status: criteria provided, single submitter. Criteria: Ambry Variant Classification Scheme 2023. Collection method: clinical testing. Allele origin: germline.

Breakthrough Genomics
Classification: Benign. Review status: criteria provided, single submitter. Criteria: ACMG Guidelines, 2015. Collection method: not provided. Allele origin: germline. Inheritance: Autosomal recessive inheritance. Affected: yes.

PreventionGenetics, part of Exact Sciences
Classification: Benign for ALPK3-related condition. Last evaluated: 2019-05-28. Review status: no assertion criteria provided. Collection method: clinical testing. Allele origin: germline. Not counted in ClinVar's aggregate classification.
Comment: This variant is classified as benign based on ACMG/AMP sequence variant interpretation guidelines (Richards et al. 2015 PMID: 25741868, with internal and published modifications).

Clinical Genetics DNA and cytogenetics Diagnostics Lab, Erasmus MC, Erasmus Medical Center
Classification: Benign. Review status: no assertion criteria provided. Collection method: clinical testing. Allele origin: germline. Affected: yes. Study: VKGL Data-share Consensus. Not counted in ClinVar's aggregate classification.

Clinical Genetics, Academic Medical Center
Classification: Benign. Review status: no assertion criteria provided. Collection method: clinical testing. Allele origin: germline. Affected: yes. Study: VKGL Data-share Consensus. Not counted in ClinVar's aggregate classification.

Genome Diagnostics Laboratory, University Medical Center Utrecht
Classification: Likely benign. Review status: no assertion criteria provided. Collection method: clinical testing. Allele origin: germline. Affected: yes. Study: VKGL Data-share Consensus. Not counted in ClinVar's aggregate classification.